The following is an entry in ClinVar:

NM_025219.3(DNAJC5):c.*2790C>T

Gene: DNAJC5 (DnaJ heat shock protein family (Hsp40) member C5; plus strand). Cytogenetic location: 20q13.33.
Variant type: single nucleotide variant.
Coding change: c.*2790C>T on transcript NM_025219.3 (MANE Select); 2790 bases downstream of the stop codon, C replaced by T.
Molecular consequence: 3 prime UTR variant.
Genome position (GRCh38, 1-based): chr20:63,934,358, C>T. VCF-style: chr20-63934358-C-T. GRCh37 (hg19) VCF-style: chr20-62565711-C-T.
Identifiers: ClinVar variation 339413 (VCV000339413.30), dbSNP rs55665472, ClinGen allele CA10653409.

ClinVar aggregate classification (germline): Benign. Review status: criteria provided, multiple submitters, no conflicts (2 of 4 stars). 2 submissions from 2 submitters: Benign (2). Last evaluated 2022-10-01.

Conditions:
Ceroid lipofuscinosis, neuronal, 4 (Kufs type) (CLN4). Also called: Ceroid lipofuscinosis, neuronal, 4, Parry type; Neuronal ceroid lipofuscinosis 4B. Identifiers: Orphanet 228343, Orphanet 79262, MedGen C1834207, MONDO:0008083, OMIM 162350.

Allele frequency attached by ClinVar (database versions not stated): TOPMed 0.00094; gnomAD 0.00101 and 0.00113; 1000 Genomes Project 30x 0.00109; 1000 Genomes Project 0.00140.

Submissions (2):

CeGaT Center for Human Genetics Tuebingen
Classification: Benign. Last evaluated: 2022-10-01. Review status: criteria provided, single submitter. Criteria: CeGaT Center For Human Genetics Tuebingen Variant Classification Criteria Version 2. Collection method: clinical testing. Allele origin: germline. Affected: yes. Observed: 1 variant allele.
Comment: DNAJC5: BS1, BS2

Illumina Laboratory Services, Illumina
Classification: Benign for Ceroid lipofuscinosis, neuronal, 4 (Kufs type). Last evaluated: 2018-01-13. Review status: criteria provided, single submitter. Criteria: ICSL Variant Classification Criteria 13 December 2019. Collection method: clinical testing. Allele origin: germline.
Comment: This variant was observed in the ICSL laboratory as part of a predisposition screen in an ostensibly healthy population. It had not been previously curated by ICSL or reported in the Human Gene Mutation Database (HGMD: prior to June 1st, 2018), and was therefore a candidate for classification through an automated scoring system. Utilizing variant allele frequency, disease prevalence and penetrance estimates, and inheritance mode, an automated score was calculated to assess if this variant is too frequent to cause the disease. Based on the score and internal cut-off values, a variant classified as benign is not then subjected to further curation. The score for this variant resulted in a classification of benign for this disease.